The following is an entry in ClinVar:

NM_001271938.2(MEGF8):c.919G>A (p.Val307Met)

Gene: MEGF8 (multiple EGF like domains 8; plus strand). Cytogenetic location: 19q13.2.
Variant type: single nucleotide variant.
Coding change: c.919G>A on transcript NM_001271938.2 (MANE Select); coding-DNA position 919, G replaced by A.
Protein change: p.Val307Met; replaces valine 307 with methionine.
Molecular consequence: missense variant.
Genome position (GRCh38, 1-based): chr19:42,336,021, G>A. VCF-style: chr19-42336021-G-A. GRCh37 (hg19) VCF-style: chr19-42840173-G-A.
Other names: c.919G>A, p.Val307Met (NM_001410.3); short protein forms V307M.
Identifiers: ClinVar variation 578584 (VCV000578584.5), dbSNP rs201180083, ClinGen allele CA9474306.

ClinVar aggregate classification (germline): Uncertain significance. Review status: criteria provided, multiple submitters, no conflicts (2 of 4 stars). 2 submissions from 2 submitters: Uncertain significance (2). Last evaluated 2025-02-25.

Conditions:
MEGF8-related Carpenter syndrome. Also called: Carpenter syndrome 2. Identifiers: Orphanet 65759, MedGen C3554247, MONDO:0013998, OMIM 614976.
Inborn genetic diseases. Identifiers: MedGen C0950123, MeSH D030342.

Allele frequency attached by ClinVar (database versions not stated): gnomAD exomes 0.00007 and 0.00015; ESP Exome Variant Server 0.00033; ExAC 0.00037; TOPMed 0.00057; gnomAD 0.00058 and 0.00063; 1000 Genomes Project 0.00100; 1000 Genomes Project 30x 0.00109.
gnomAD v4.1: 201 of 1,560,024 alleles (0.013%); highest among the groups gnomAD compares: African/African-American, 0.21%; no homozygotes.

Submissions (2):

Ambry Genetics
Classification: Uncertain significance for Inborn genetic diseases. Last evaluated: 2025-02-25. Review status: criteria provided, single submitter. Criteria: Ambry Variant Classification Scheme 2023. Collection method: clinical testing. Allele origin: germline.

Labcorp Genetics (formerly Invitae), Labcorp
Classification: Uncertain significance for MEGF8-related Carpenter syndrome. Last evaluated: 2022-03-19. Review status: criteria provided, single submitter. Criteria: Invitae Variant Classification Sherloc (09022015). Collection method: clinical testing. Allele origin: germline.
Comment: In summary, the available evidence is currently insufficient to determine the role of this variant in disease. Therefore, it has been classified as a Variant of Uncertain Significance. Algorithms developed to predict the effect of missense changes on protein structure and function (SIFT, PolyPhen-2, Align-GVGD) all suggest that this variant is likely to be tolerated. ClinVar contains an entry for this variant (Variation ID: 578584). This variant has not been reported in the literature in individuals affected with MEGF8-related conditions. This variant is present in population databases (rs201180083, gnomAD 0.2%). This sequence change replaces valine, which is neutral and non-polar, with methionine, which is neutral and non-polar, at codon 307 of the MEGF8 protein (p.Val307Met).